The following is an entry in ClinVar:

NM_001367624.2(ZNF469):c.1483C>T (p.Pro495Ser)

Gene: ZNF469 (zinc finger protein 469; plus strand). Cytogenetic location: 16q24.2.
Variant type: single nucleotide variant.
Coding change: c.1483C>T on transcript NM_001367624.2 (MANE Select); coding-DNA position 1483, C replaced by T.
Protein change: p.Pro495Ser; replaces proline 495 with serine.
Molecular consequence: missense variant.
Genome position (GRCh38, 1-based): chr16:88,428,953, C>T. VCF-style: chr16-88428953-C-T. GRCh37 (hg19) VCF-style: chr16-88495361-C-T.
Other names: NM_001127464.1:c.1483C>T; NM_001127464.2:c.1483C>T; p.Pro495Ser; short protein forms P495S.
Identifiers: ClinVar variation 429651 (VCV000429651.68), dbSNP rs202205643, ClinGen allele CA8224678.
Genomic context (GRCh38, chr16:88,428,953, plus strand): 5'-TGCCTCCCCCAGAGTGCCCCCCTGCCTTGGCCCCAAGTGCTCCCGACCGCCCGGCCAAGT[C>T]CCCACGGAATGGAGATGCTGAGCCGGCTGCCTTTCCCCGCGGGGGGCCCCGAGTGGCAGG-3'
Protein context (NP_001354553.1, residues 485-505): PQVLPTARPS[Pro495Ser]HGMEMLSRLP

ClinVar aggregate classification (germline): Conflicting classifications of pathogenicity. Review status: criteria provided, conflicting classifications (1 of 4 stars). 14 submissions from 14 submitters: Uncertain significance (9); Benign (1); Likely benign (2). 2 of the submissions do not count toward it. Last evaluated 2026-07-01.

Conditions:
ZNF469-related disorder. Also called: ZNF469-related condition.
Cardiovascular phenotype. Identifiers: MedGen CN230736.
Ehlers-Danlos syndrome (EDS). Identifiers: Orphanet 98249, MedGen C0013720, MONDO:0020066.
Brittle cornea syndrome 1 (BCS1). Also called: DYSGENESIS MESODERMALIS CORNEAE ET SCLERAE; Corneal fragility keratoglobus, blue sclerae AND joint hypermobility; CORNEAL FRAGILITY, KERATOGLOBUS, BLUE SCLERAE, JOINT HYPEREXTENSIBILITY; EDS6B; FRAGILITAS OCULI WITH JOINT HYPEREXTENSIBILITY. Identifiers: Orphanet 90354, MedGen C0268344, MONDO:0024543, OMIM 229200.

Allele frequency attached by ClinVar (database versions not stated): 1000 Genomes Project 30x 0.00031; ExAC 0.00047; gnomAD exomes 0.00066 and 0.00140; gnomAD 0.00068 and 0.00073; TOPMed 0.00075.
gnomAD v4.1: 2,007 of 1,547,808 alleles (0.13%); highest among the groups gnomAD compares: Non-Finnish European, 0.17%; 5 homozygotes.

Submissions (14):

CeGaT Center for Human Genetics Tuebingen
Classification: Likely benign. Last evaluated: 2026-07-01. Review status: criteria provided, single submitter. Criteria: CeGaT Center For Human Genetics Tuebingen Variant Classification Criteria Version 2. Collection method: clinical testing. Allele origin: germline. Affected: yes. Observed: 11 variant alleles.
Comment: ZNF469: BP4

PreventionGenetics, part of Exact Sciences
Classification: Uncertain significance for ZNF469-related condition. Last evaluated: 2026-02-24. Review status: criteria provided, single submitter. Criteria: ACMG Guidelines, 2015. Collection method: clinical testing. Allele origin: germline.
Comment: The ZNF469 c.1483C>T variant is predicted to result in the amino acid substitution p.Pro495Ser. This variant was reported in an affected individual and in a control from a keratoconus case-control study (Lucas et al. 2017. PubMed ID: 29228253). This variant is reported in 0.13% of alleles in individuals of European (Non-Finnish) descent in gnomAD. Although we suspect that this variant may be benign, at this time, the clinical significance of this variant is uncertain due to the absence of conclusive functional and genetic evidence.

Women's Health and Genetics/Laboratory Corporation of America, LabCorp
Classification: Uncertain significance. Last evaluated: 2025-10-16. Review status: criteria provided, single submitter. Criteria: LabCorp Variant Classification Summary - May 2015. Collection method: clinical testing. Allele origin: germline.
Comment: Variant summary: ZNF469 c.1483C>T (p.Pro495Ser) results in a non-conservative amino acid change in the encoded protein sequence. Algorithms developed to predict the effect of missense changes on protein structure and function are either unavailable or do not agree on the potential impact of this missense change. The variant allele was found at a frequency of 0.00066 in 144466 control chromosomes (gnomAD). This frequency is not significantly higher than estimated for disease-causing variants in ZNF469, allowing no conclusion about variant significance. c.1483C>T has been reported in the literature in at least one individual affected with keratoconus (Lucas_2017). The report does not provide unequivocal conclusions about association of the variant with Brittle cornea syndrome 1. To our knowledge, no experimental evidence demonstrating an impact on protein function has been reported. The following publication have been ascertained in the context of this evaluation (PMID: 29228253). ClinVar contains an entry for this variant (Variation ID: 429651). Based on the evidence outlined above, the variant was classified as uncertain significance.

GeneDx
Classification: Uncertain significance. Last evaluated: 2025-05-20. Review status: criteria provided, single submitter. Criteria: GeneDx Variant Classification Process June 2021. Collection method: clinical testing. Allele origin: germline. Affected: yes.
Comment: In silico analysis suggests that this missense variant does not alter protein structure/function; This variant is associated with the following publications: (PMID: 29228253)

Blueprint Genetics
Classification: Uncertain significance. Last evaluated: 2024-11-19. Review status: criteria provided, single submitter. Criteria: ACMG Guidelines, 2015. Collection method: clinical testing. Allele origin: germline.

Mayo Clinic Laboratories, Mayo Clinic
Classification: Benign. Last evaluated: 2024-05-23. Review status: criteria provided, single submitter. Criteria: ACMG Guidelines, 2015. Collection method: clinical testing. Allele origin: germline. Observed: 12 variant alleles.
Comment: BS1, BS2, BP4

Fulgent Genetics
Classification: Uncertain significance for Brittle cornea syndrome 1. Last evaluated: 2024-01-16. Review status: criteria provided, single submitter. Criteria: ACMG Guidelines, 2015. Collection method: clinical testing. Allele origin: germline.

Labcorp Genetics (formerly Invitae), Labcorp
Classification: Uncertain significance. Last evaluated: 2022-09-01. Review status: criteria provided, single submitter. Criteria: Invitae Variant Classification Sherloc (09022015). Collection method: clinical testing. Allele origin: germline.
Comment: This sequence change replaces proline, which is neutral and non-polar, with serine, which is neutral and polar, at codon 495 of the ZNF469 protein (p.Pro495Ser). This variant is present in population databases (rs202205643, gnomAD 0.1%), and has an allele count higher than expected for a pathogenic variant. This missense change has been observed in individual(s) with keratoconus (PMID: 29228253). ClinVar contains an entry for this variant (Variation ID: 429651). Algorithms developed to predict the effect of missense changes on protein structure and function output the following: SIFT: "Deleterious"; PolyPhen-2: "Probably Damaging"; Align-GVGD: "Class C0". The serine amino acid residue is found in multiple mammalian species, which suggests that this missense change does not adversely affect protein function. In summary, the available evidence is currently insufficient to determine the role of this variant in disease. Therefore, it has been classified as a Variant of Uncertain Significance.

Ambry Genetics
Classification: Likely benign for Cardiovascular phenotype. Last evaluated: 2021-07-06. Review status: criteria provided, single submitter. Criteria: Ambry Variant Classification Scheme 2023. Collection method: clinical testing. Allele origin: germline.

Genome Diagnostics Laboratory, The Hospital for Sick Children
Classification: Uncertain significance for Ehlers-Danlos syndrome. Last evaluated: 2020-04-01. Review status: criteria provided, single submitter. Criteria: ACMG Guidelines, 2015. Collection method: clinical testing. Allele origin: germline.

Eurofins Ntd Llc (ga)
Classification: Uncertain significance. Last evaluated: 2017-08-01. Review status: criteria provided, single submitter. Criteria: EGL Classification Definitions 2015. Collection method: clinical testing. Allele origin: germline. Observed: 1 variant allele, 1 heterozygote.

Breakthrough Genomics
Classification: Uncertain significance. Review status: criteria provided, single submitter. Criteria: ACMG Guidelines, 2015. Collection method: not provided. Allele origin: germline. Inheritance: Autosomal recessive inheritance. Affected: yes.

Clinical Genetics DNA and cytogenetics Diagnostics Lab, Erasmus MC, Erasmus Medical Center
Classification: Likely benign. Review status: no assertion criteria provided. Collection method: clinical testing. Allele origin: germline. Affected: yes. Study: VKGL Data-share Consensus. Not counted in ClinVar's aggregate classification.

Genome Diagnostics Laboratory, Amsterdam University Medical Center
Classification: Likely benign. Review status: no assertion criteria provided. Collection method: clinical testing. Allele origin: germline. Affected: yes. Study: VKGL Data-share Consensus. Not counted in ClinVar's aggregate classification.

Literature cited by the submitters: PubMed 29228253 (cited by 4 submitters).